The following is an entry in ClinVar:

NM_000077.5(CDKN2A):c.151-4G>C

Gene: CDKN2A (cyclin dependent kinase inhibitor 2A; minus strand). Cytogenetic location: 9p21.3.
Variant type: single nucleotide variant.
Coding change: c.151-4G>C on transcript NM_000077.5 (MANE Select); 4 bases into the intron before coding-DNA position 151, G replaced by C.
Molecular consequence: intron variant.
Genome position (GRCh38, 1-based): chr9:21,971,212, C>G on the plus strand (G>C on the coding strand, the complement: CDKN2A is on the minus strand). VCF-style: chr9-21971212-C-G. GRCh37 (hg19) VCF-style: chr9-21971211-C-G.
Other names: c.151-4G>C (NM_001195132.2); c.*74-4G>C (NM_058197.5); c.-3-4G>C (NM_001363763.2); c.194-4G>C (NM_058195.4).
Identifiers: ClinVar variation 141600 (VCV000141600.54), dbSNP rs529380972, ClinGen allele CA165905.

ClinVar aggregate classification (germline): Benign/Likely benign. Review status: criteria provided, multiple submitters, no conflicts (2 of 4 stars). 13 submissions from 13 submitters: Benign (11); Likely benign (1). 1 of the submissions does not count toward it. Last evaluated 2026-03-19.

Conditions:
Familial melanoma. Also called: Hereditary melanoma; Hereditary cutaneous melanoma. Identifiers: Orphanet 618, MedGen C1512419, MONDO:0018961.
Hereditary cancer-predisposing syndrome. Also called: Neoplastic Syndromes, Hereditary; Hereditary Cancer Syndrome; Tumor predisposition; Hereditary neoplastic syndrome. Identifiers: Orphanet 140162, MedGen C0027672, MeSH D009386, MONDO:0015356.
Hepatocellular carcinoma (HCC). Also called: Primary carcinoma of liver; HEPATOMA; LIVER CELL CARCINOMA. Identifiers: Orphanet 88673, MedGen C2239176, MONDO:0007256, OMIM 114550, HP:0001402.
Li-Fraumeni syndrome (LFS). Also called: Sarcoma family syndrome of Li and Fraumeni. Identifiers: Orphanet 524, MedGen C0085390, MONDO:0018875.
Melanoma-pancreatic cancer syndrome. Identifiers: Orphanet 404560, MedGen C1838547, MONDO:0011713, OMIM 606719. Disease mechanism: loss of function.

Allele frequency attached by ClinVar (database versions not stated): ExAC 0.00278; 1000 Genomes Project 0.00319; 1000 Genomes Project 30x 0.00328; gnomAD 0.00001 and 0.00055; gnomAD exomes 0.00095 and 0.00200; TOPMed 0.00008.
gnomAD v4.1: 1,468 of 1,596,954 alleles (0.092%); highest among the groups gnomAD compares: South Asian, 1.5%; 29 homozygotes.

Submissions (13):

Ambry Genetics
Classification: Benign for Hereditary cancer-predisposing syndrome. Last evaluated: 2026-03-19. Review status: criteria provided, single submitter. Criteria: Ambry Variant Classification Scheme 2023. Collection method: clinical testing. Allele origin: germline.

Labcorp Genetics (formerly Invitae), Labcorp
Classification: Benign for Familial melanoma. Last evaluated: 2026-01-28. Review status: criteria provided, single submitter. Criteria: Invitae Variant Classification Sherloc (09022015). Collection method: clinical testing. Allele origin: germline.

Quest Diagnostics Nichols Institute San Juan Capistrano
Classification: Benign. Last evaluated: 2025-10-16. Review status: criteria provided, single submitter. Criteria: Quest Diagnostics criteria. Collection method: clinical testing. Allele origin: unknown.

Center for Genomic Medicine, Rigshospitalet, Copenhagen University Hospital
Classification: Benign. Last evaluated: 2025-03-04. Review status: criteria provided, single submitter. Criteria: ACMG Guidelines, 2015. Collection method: clinical testing. Allele origin: germline.

CeGaT Center for Human Genetics Tuebingen
Classification: Benign. Last evaluated: 2023-07-01. Review status: criteria provided, single submitter. Criteria: CeGaT Center For Human Genetics Tuebingen Variant Classification Criteria Version 2. Collection method: clinical testing. Allele origin: germline. Affected: yes. Observed: 1 variant allele.
Comment: CDKN2A: BP4, BS1, BS2

Myriad Genetics, Inc.
Classification: Likely benign for Melanoma-pancreatic cancer syndrome. Last evaluated: 2023-04-20. Review status: criteria provided, single submitter. Criteria: Myriad Autosomal Dominant, Autosomal Recessive and X-Linked Classification Criteria (2023). Collection method: clinical testing. Allele origin: unknown.
Comment: This variant is considered likely benign. This variant is intronic and is not expected to impact mRNA splicing.

Department of Pathology and Laboratory Medicine, Sinai Health System
Classification: Benign for Li-Fraumeni syndrome. Last evaluated: 2022-02-18. Review status: criteria provided, single submitter. Criteria: ACMG Guidelines, 2015. Collection method: clinical testing. Allele origin: germline. Affected: yes.

Sema4
Classification: Benign for Hereditary cancer-predisposing syndrome. Last evaluated: 2020-12-23. Review status: criteria provided, single submitter. Criteria: Sema4 Curation Guidelines. Collection method: curation. Allele origin: germline.

Women's Health and Genetics/Laboratory Corporation of America, LabCorp
Classification: Benign. Last evaluated: 2017-06-05. Review status: criteria provided, single submitter. Criteria: LabCorp Variant Classification Summary - May 2015. Collection method: clinical testing. Allele origin: germline.
Comment: Variant summary: The CDKN2A c.151-4G>C variant involves the alteration of a non-conserved intronic nucleotide. One in silico tool predicts a damaging outcome for this variant. 4/5 splice prediction tools predict no significant impact on normal splicing. One functional study found that this variant does not affect splicing (Loo_Oncogene_2003). The variant of interest has been found in a large, broad control population, ExAC in 224/82416 control chromosomes (2 homozygotes) at a frequency of 0.0027179, which is approximately 9 times the estimated maximal expected allele frequency of a pathogenic CDKN2A variant (0.0003), suggesting this variant is likely a benign polymorphism. In addition, multiple clinical diagnostic laboratories/reputable databases recently classified this variant as likely benign/benign. Taken together, this variant is classified as benign.

GeneDx
Classification: Benign. Last evaluated: 2017-01-10. Review status: criteria provided, single submitter. Criteria: GeneDx Variant Classification (06012015). Collection method: clinical testing. Allele origin: germline. Affected: yes.
Comment: This variant is considered likely benign or benign based on one or more of the following criteria: it is a conservative change, it occurs at a poorly conserved position in the protein, it is predicted to be benign by multiple in silico algorithms, and/or has population frequency not consistent with disease.

Color Diagnostics, LLC DBA Color Health
Classification: Benign for Hereditary cancer-predisposing syndrome. Last evaluated: 2016-06-27. Review status: criteria provided, single submitter. Criteria: ACMG Guidelines, 2015. Collection method: clinical testing. Allele origin: germline.

Broad Center for Mendelian Genomics, Broad Institute of MIT and Harvard
Classification: Benign for Hepatocellular carcinoma. Review status: criteria provided, single submitter. Criteria: ACMG Guidelines, 2015. Collection method: research. Allele origin: germline. Inheritance: Autosomal dominant inheritance. Affected: yes.
Comment: The heterozygous c.151-4G>C variant in CDKN2A has been identified in an individual with hepatocellular carcinoma (PMID: 9185756), but has also been identified in >1% of South Asian chromosomes and 2 homozygotes by ExAC. In summary, this variant meets criteria to be classified as benign for autosomal dominant hepatocellular carcinoma.

Counsyl
Classification: Likely benign for Melanoma-pancreatic cancer syndrome. Last evaluated: 2016-08-16. Review status: no assertion criteria provided. Collection method: clinical testing. Allele origin: unknown. Not counted in ClinVar's aggregate classification.

Literature cited by the submitters: PubMed 9185756 (cited by 4 submitters); PubMed 26225579 (cited by Quest Diagnostics Nichols Institute San Juan Capistrano and Counsyl); PubMed 14508519 (cited by 3 submitters); PubMed 25780468 (cited by Quest Diagnostics Nichols Institute San Juan Capistrano and Women's Health and Genetics/Laboratory Corporation of America, LabCorp); PubMed 27535533 (cited by Quest Diagnostics Nichols Institute San Juan Capistrano).